The following is an entry in ClinVar:

NM_004006.3(DMD):c.2261G>T (p.Gly754Val)

Gene: DMD (dystrophin; minus strand). Cytogenetic location: Xp21.1.
Variant type: single nucleotide variant.
Coding change: c.2261G>T on transcript NM_004006.3 (MANE Select); coding-DNA position 2261, G replaced by T.
Protein change: p.Gly754Val; replaces glycine 754 with valine.
Molecular consequence: missense variant.
Genome position (GRCh38, 1-based): chrX:32,518,039, C>A on the plus strand (G>T on the coding strand, the complement: DMD is on the minus strand). VCF-style: chrX-32518039-C-A. GRCh37 (hg19) VCF-style: chrX-32536156-C-A.
Other names: c.2237G>T, p.Gly746Val (NM_000109.4); c.2249G>T, p.Gly750Val (NM_004009.3); c.1892G>T, p.Gly631Val (NM_004010.3); short protein forms G754V, G746V, G631V, G750V.
Identifiers: ClinVar variation 194844 (VCV000194844.28), dbSNP rs151242451, ClinGen allele CA241032.

ClinVar aggregate classification (germline): Benign/Likely benign. Review status: criteria provided, multiple submitters, no conflicts (2 of 4 stars). 12 submissions from 12 submitters: Benign (6); Likely benign (4). 2 of the submissions do not count toward it. Last evaluated 2026-01-31.

Conditions:
DMD-related disorder. Also called: DMD-related condition.
Cardiomyopathy (CMYO). Also called: Cardiomyopathies. Identifiers: Orphanet 167848, MedGen C0878544, MONDO:0004994, HP:0001638. Inheritance: Various modes of inheritance.
Duchenne muscular dystrophy (DMD). Also called: MUSCULAR DYSTROPHY, PSEUDOHYPERTROPHIC PROGRESSIVE, DUCHENNE TYPE; Duchenne Muscular Dystrophy (DMD). Identifiers: Orphanet 98896, MedGen C0013264, MONDO:0010679, OMIM 310200.
Becker muscular dystrophy (BMD). Also called: Becker Muscular Dystrophy (BMD); MUSCULAR DYSTROPHY, PSEUDOHYPERTROPHIC PROGRESSIVE, BECKER TYPE. Identifiers: Orphanet 98895, MedGen C0917713, MONDO:0010311, OMIM 300376.
Dystrophin deficiency.
Cardiovascular phenotype. Identifiers: MedGen CN230736.
Dilated cardiomyopathy 3B (CMD3B). Also called: CMD3B: DMD-Related Dilated Cardiomyopathy; CARDIOMYOPATHY, DILATED, X-LINKED; DMD-Associated Dilated Cardiomyopathy. Identifiers: Orphanet 154, MedGen C3668940, MONDO:0010542, OMIM 302045.

Allele frequency attached by ClinVar (database versions not stated): gnomAD exomes 0.00029; ExAC 0.00039; ESP Exome Variant Server 0.00085; gnomAD 0.00091 and 0.00098; TOPMed 0.00121; 1000 Genomes Project 0.00159; 1000 Genomes Project 30x 0.00166.
gnomAD v4.1: 227 of 1,208,580 alleles (0.019%); highest among the groups gnomAD compares: African/African-American, 0.34%; no homozygotes.

Submissions (12):

Labcorp Genetics (formerly Invitae), Labcorp
Classification: Benign for Duchenne muscular dystrophy. Last evaluated: 2026-01-31. Review status: criteria provided, single submitter. Criteria: Invitae Variant Classification Sherloc (09022015). Collection method: clinical testing. Allele origin: germline.

ARUP Laboratories, Molecular Genetics and Genomics, ARUP Laboratories
Classification: Likely benign. Last evaluated: 2025-03-26. Review status: criteria provided, single submitter. Criteria: ARUP Molecular Germline Variant Investigation Process 2024. Collection method: clinical testing. Allele origin: germline.

Mayo Clinic Laboratories, Mayo Clinic
Classification: Benign. Last evaluated: 2025-02-25. Review status: criteria provided, single submitter. Criteria: ACMG Guidelines, 2015. Collection method: clinical testing. Allele origin: germline. Observed: 1 variant allele.
Comment: BS1, BS2, BP4

Women's Health and Genetics/Laboratory Corporation of America, LabCorp
Classification: Likely benign. Last evaluated: 2022-02-03. Review status: criteria provided, single submitter. Criteria: LabCorp Variant Classification Summary - May 2015. Collection method: clinical testing. Allele origin: germline.

Fulgent Genetics
Classification: Benign for Becker muscular dystrophy; Dilated cardiomyopathy 3B; Duchenne muscular dystrophy. Last evaluated: 2021-08-23. Review status: criteria provided, single submitter. Criteria: ACMG Guidelines, 2015. Collection method: clinical testing. Allele origin: unknown.

Ambry Genetics
Classification: Benign for Cardiovascular phenotype. Last evaluated: 2019-06-26. Review status: criteria provided, single submitter. Criteria: Ambry Variant Classification Scheme 2023. Collection method: clinical testing. Allele origin: germline.

Mendelics
Classification: Likely benign for Duchenne muscular dystrophy. Last evaluated: 2019-05-28. Review status: criteria provided, single submitter. Criteria: Mendelics Assertion Criteria 2017. Collection method: clinical testing. Allele origin: unknown.

Eurofins Ntd Llc (ga)
Classification: Benign. Last evaluated: 2018-01-19. Review status: criteria provided, single submitter. Criteria: EGL Classification Definitions 2015. Collection method: clinical testing. Allele origin: germline. Observed: 4 variant alleles, 2 heterozygotes, 2 hemizygotes.

Laboratory for Molecular Medicine, Mass General Brigham Personalized Medicine
Classification: Likely benign. Last evaluated: 2016-09-01. Review status: criteria provided, single submitter. Criteria: LMM Criteria. Collection method: clinical testing. Allele origin: germline. Observed: 1 variant allele.
Comment: p.Gly754Val in exon 18 of DMD: This variant is not expected to have clinical sig nificance because it has been identified in 0.4% (32/8397) of African chromosome s, including 8 hemizygotes, by the Exome Aggregation Consortium (ExAC; dbSNP rs151242451).

GeneDx
Classification: Benign. Last evaluated: 2016-07-27. Review status: criteria provided, single submitter. Criteria: GeneDx Variant Classification (06012015). Collection method: clinical testing. Allele origin: germline. Affected: yes.
Comment: This variant is considered likely benign or benign based on one or more of the following criteria: it is a conservative change, it occurs at a poorly conserved position in the protein, it is predicted to be benign by multiple in silico algorithms, and/or has population frequency not consistent with disease.

Natera, Inc.
Classification: Likely benign for Becker muscular dystrophy; Cardiomyopathy; Duchenne muscular dystrophy; Dystrophin deficiency. Last evaluated: 2020-04-12. Review status: no assertion criteria provided. Collection method: clinical testing. Allele origin: germline. Not counted in ClinVar's aggregate classification.

PreventionGenetics, part of Exact Sciences
Classification: Likely benign for DMD-related condition. Last evaluated: 2019-07-03. Review status: no assertion criteria provided. Collection method: clinical testing. Allele origin: germline. Not counted in ClinVar's aggregate classification.
Comment: This variant is classified as likely benign based on ACMG/AMP sequence variant interpretation guidelines (Richards et al. 2015 PMID: 25741868, with internal and published modifications).